The following is an entry in ClinVar:

ClinVar aggregate classification (germline): Likely benign. Review status: criteria provided, multiple submitters, no conflicts (2 of 4 stars). 2 submissions from 2 submitters: Likely benign (2). Last evaluated 2025-09-21.

Allele frequency attached by ClinVar (database versions not stated): ExAC 0.00002; gnomAD exomes 0.00002 and 0.00003; gnomAD 0.00005 and 0.00007; ESP Exome Variant Server 0.00008; TOPMed 0.00008; 1000 Genomes Project 30x 0.00016; 1000 Genomes Project 0.00020.
gnomAD v4.1: 26 of 1,613,788 alleles (0.0016%); highest among the groups gnomAD compares: East Asian, 0.031%; no homozygotes.

Submissions (2):

Labcorp Genetics (formerly Invitae), Labcorp
Classification: Likely benign. Last evaluated: 2025-09-21. Review status: criteria provided, single submitter. Criteria: Invitae Variant Classification Sherloc (09022015). Collection method: clinical testing. Allele origin: germline.

CeGaT Center for Human Genetics Tuebingen
Classification: Likely benign. Last evaluated: 2022-08-01. Review status: criteria provided, single submitter. Criteria: CeGaT Center For Human Genetics Tuebingen Variant Classification Criteria Version 2. Collection method: clinical testing. Allele origin: germline. Affected: yes. Observed: 1 variant allele.
Comment: ABL1: BP4, BP7

NM_005157.6(ABL1):c.1638C>T (p.Asp546=)

Gene: ABL1 (ABL proto-oncogene 1, non-receptor tyrosine kinase; plus strand). Cytogenetic location: 9q34.12.
Variant type: single nucleotide variant.
Coding change: c.1638C>T on transcript NM_005157.6 (MANE Select); coding-DNA position 1638, C replaced by T.
Protein change: p.Asp546=; no amino-acid change (aspartic acid 546 retained).
Molecular consequence: synonymous variant.
Genome position (GRCh38, 1-based): chr9:130,880,624, C>T. VCF-style: chr9-130880624-C-T. GRCh37 (hg19) VCF-style: chr9-133756011-C-T.
Other names: c.1695C>T, p.Asp565= (NM_007313.3).
Identifiers: ClinVar variation 1593139 (VCV001593139.33), dbSNP rs148249464, ClinGen allele CA5285494.